The following is an entry in ClinVar:

NM_001845.6(COL4A1):c.2941G>T (p.Gly981Trp)

Gene: COL4A1 (collagen type IV alpha 1 chain; minus strand). Cytogenetic location: 13q34.
Variant type: single nucleotide variant.
Coding change: c.2941G>T on transcript NM_001845.6 (MANE Select); coding-DNA position 2941, G replaced by T.
Protein change: p.Gly981Trp; replaces glycine 981 with tryptophan.
Molecular consequence: missense variant.
Genome position (GRCh38, 1-based): chr13:110,176,653, C>A on the plus strand (G>T on the coding strand, the complement: COL4A1 is on the minus strand). VCF-style: chr13-110176653-C-A. GRCh37 (hg19) VCF-style: chr13-110829000-C-A.
Other names: c.2941G>T (NM_001845.5); short protein forms G981W.
Identifiers: ClinVar variation 4746034 (VCV004746034.2).
Genomic context (GRCh38, chr13:110,176,653, plus strand): 5'-TGCCACACTGGGGACCGGAGCTCCACACTGTACCTGGCTGCCCAGGCTGTCCTGCCTGCC[C>A]GTCCTTTCCAGGCACTCCTGGGGTCCCAGGGTCTCCTCGGGATCCCTTCTCACCAATTGG-3'
Protein context (NP_001836.3, residues 971-991): PGTPGVPGKD[Gly981Trp]QAGQPGQPGP

ClinVar aggregate classification (germline): Likely pathogenic. Review status: criteria provided, multiple submitters, no conflicts (2 of 4 stars). 2 submissions from 2 submitters: Likely pathogenic (2). Last evaluated 2025-07-15.

Conditions:
COL4A1-related disorder. Also called: COL4A1-related condition; COL4A1-related disorders. Identifiers: MedGen CN376119, MONDO:0800461.

Submissions (2):

Labcorp Genetics (formerly Invitae), Labcorp
Classification: Likely pathogenic. Last evaluated: 2025-07-15. Review status: criteria provided, single submitter. Criteria: Invitae Variant Classification Sherloc (09022015). Collection method: clinical testing. Allele origin: germline.
Comment: This sequence change replaces glycine, which is neutral and non-polar, with tryptophan, which is neutral and slightly polar, at codon 981 of the COL4A1 protein (p.Gly981Trp). This variant is not present in population databases (gnomAD no frequency). This variant has not been reported in the literature in individuals affected with COL4A1-related conditions. Invitae Evidence Modeling of protein sequence and biophysical properties (such as structural, functional, and spatial information, amino acid conservation, physicochemical variation, residue mobility, and thermodynamic stability) indicates that this missense variant is expected to disrupt COL4A1 protein function with a positive predictive value of 95%. This variant disrupts the triple helix domain of COL4A1. Glycine residues within the Gly-Xaa-Yaa repeats of the triple helix domain are required for the structure and stability of fibrillar collagens (PMID: 7695699, 8218237, 19344236). In COL4A1 variants affecting these glycine residues are significantly enriched in individuals with disease (PMID: 9016532, 17078022) compared to the general population (ExAC). In summary, the currently available evidence indicates that the variant is pathogenic, but additional data are needed to prove that conclusively. Therefore, this variant has been classified as Likely Pathogenic.

PreventionGenetics, part of Exact Sciences
Classification: Likely pathogenic for COL4A1-related condition. Last evaluated: 2025-01-13. Review status: criteria provided, single submitter. Criteria: ACMG Guidelines, 2015. Collection method: clinical testing. Allele origin: germline.
Comment: The COL4A1 c.2941G>T variant is predicted to result in the amino acid substitution p.Gly981Trp. To our knowledge, this variant has not been reported in the literature or in a large population database (gnomAD), indicating this variant is rare. This variant impacts a glycine (Gly) residue within the highly conserved collagen triple helical domain (Gly-X-Y; amino acids 173-1440) where Gly substitutions are expected to be pathogenic. This variant is interpreted as likely pathogenic.

Literature cited by the submitters: PubMed 7695699 (cited by Labcorp Genetics (formerly Invitae), Labcorp); PubMed 8218237 (cited by Labcorp Genetics (formerly Invitae), Labcorp); PubMed 19344236 (cited by Labcorp Genetics (formerly Invitae), Labcorp); PubMed 9016532 (cited by Labcorp Genetics (formerly Invitae), Labcorp); PubMed 17078022 (cited by Labcorp Genetics (formerly Invitae), Labcorp).